The following is an entry in ClinVar:

NM_000051.4(ATM):c.820T>G (p.Ser274Ala)

Gene: ATM (ATM serine/threonine kinase; plus strand). Cytogenetic location: 11q22.3.
Variant type: single nucleotide variant.
Coding change: c.820T>G on transcript NM_000051.4 (MANE Select); coding-DNA position 820, T replaced by G.
Protein change: p.Ser274Ala; replaces serine 274 with alanine.
Molecular consequence: missense variant.
Genome position (GRCh38, 1-based): chr11:108,244,945, T>G. VCF-style: chr11-108244945-T-G. GRCh37 (hg19) VCF-style: chr11-108115672-T-G.
Other names: c.820T>G, p.Ser274Ala (NM_001351834.2); short protein forms S274A.
Identifiers: ClinVar variation 971932 (VCV000971932.9), dbSNP rs2079767927, ClinGen allele CA382529416.

ClinVar aggregate classification (germline): Uncertain significance. Review status: criteria provided, multiple submitters, no conflicts (2 of 4 stars). 2 submissions from 2 submitters: Uncertain significance (2). Last evaluated 2026-01-28.

Conditions:
Hereditary cancer-predisposing syndrome. Also called: Tumor predisposition; Hereditary Cancer Syndrome; Neoplastic Syndromes, Hereditary; Hereditary neoplastic syndrome. Identifiers: Orphanet 140162, MedGen C0027672, MeSH D009386, MONDO:0015356.
Ataxia-telangiectasia syndrome (AT). Also called: Ataxia telangiectasia (A-T); Ataxia-telangiectasia; Cerebello-oculocutaneous telangiectasia; Immunodeficiency with ataxia telangiectasia; ATAXIA-TELANGIECTASIA, FRESNO VARIANT; LOUIS-BAR SYNDROME. Identifiers: Orphanet 100, MedGen C0004135, MONDO:0008840, OMIM 208900.

Submissions (2):

Labcorp Genetics (formerly Invitae), Labcorp
Classification: Uncertain significance for Ataxia-telangiectasia syndrome. Last evaluated: 2026-01-28. Review status: criteria provided, single submitter. Criteria: Invitae Variant Classification Sherloc (09022015). Collection method: clinical testing. Allele origin: germline.
Comment: This sequence change replaces serine, which is neutral and polar, with alanine, which is neutral and non-polar, at codon 274 of the ATM protein (p.Ser274Ala). This variant is not present in population databases (gnomAD no frequency). This variant has not been reported in the literature in individuals affected with ATM-related conditions. ClinVar contains an entry for this variant (Variation ID: 971932). Invitae Evidence Modeling of protein sequence and biophysical properties (such as structural, functional, and spatial information, amino acid conservation, physicochemical variation, residue mobility, and thermodynamic stability) indicates that this missense variant is not expected to disrupt ATM protein function with a negative predictive value of 95%. In summary, the available evidence is currently insufficient to determine the role of this variant in disease. Therefore, it has been classified as a Variant of Uncertain Significance.

Ambry Genetics
Classification: Uncertain significance for Hereditary cancer-predisposing syndrome. Last evaluated: 2022-08-31. Review status: criteria provided, single submitter. Criteria: Ambry Variant Classification Scheme 2023. Collection method: clinical testing. Allele origin: germline.
Comment: The p.S274A variant (also known as c.820T>G), located in coding exon 6 of the ATM gene, results from a T to G substitution at nucleotide position 820. The serine at codon 274 is replaced by alanine, an amino acid with similar properties. This amino acid position is not well conserved in available vertebrate species. In addition, this alteration is predicted to be tolerated by in silico analysis. Since supporting evidence is limited at this time, the clinical significance of this alteration remains unclear.